The following is an entry in ClinVar:

ClinVar aggregate classification (germline): Likely benign. Review status: criteria provided, multiple submitters, no conflicts (2 of 4 stars). 3 submissions from 3 submitters: Likely benign (3). Last evaluated 2025-12-08.

Conditions:
ETFDH-related disorder. Also called: ETFDH-related condition.
Multiple acyl-CoA dehydrogenase deficiency (MADD). Also called: ETHYLMALONIC-ADIPICACIDURIA; GA II; Glutaric Acidemia type 2; Glutaric aciduria, type 2; Glutaric acidemia type II; GA 2. Identifiers: Orphanet 26791, MedGen C0268596, MONDO:0009282, OMIM 231680.

Allele frequency attached by ClinVar (database versions not stated): TOPMed 0.00006; 1000 Genomes Project 0.00020; 1000 Genomes Project 30x 0.00031; gnomAD exomes 0.00002 and 0.00005; gnomAD 0.00003 and 0.00006; ExAC 0.00005.

Submissions (3):

Labcorp Genetics (formerly Invitae), Labcorp
Classification: Likely benign for Multiple acyl-CoA dehydrogenase deficiency. Last evaluated: 2025-12-08. Review status: criteria provided, single submitter. Criteria: Invitae Variant Classification Sherloc (09022015). Collection method: clinical testing. Allele origin: germline.

PreventionGenetics, part of Exact Sciences
Classification: Likely benign for ETFDH-related condition. Last evaluated: 2025-05-02. Review status: criteria provided, single submitter. Criteria: ACMG Guidelines, 2015. Collection method: clinical testing. Allele origin: germline.
Comment: This variant is classified as likely benign based on ACMG/AMP sequence variant interpretation guidelines (Richards et al. 2015 PMID: 25741868, with internal and published modifications).

Blueprint Genetics
Classification: Likely benign. Last evaluated: 2023-09-27. Review status: criteria provided, single submitter. Criteria: ACMG Guidelines, 2015. Collection method: clinical testing. Allele origin: germline.

NM_004453.4(ETFDH):c.651C>T (p.Asn217=)

Gene: ETFDH (electron transfer flavoprotein dehydrogenase; plus strand). Cytogenetic location: 4q32.1.
Variant type: single nucleotide variant.
Coding change: c.651C>T on transcript NM_004453.4 (MANE Select); coding-DNA position 651, C replaced by T.
Protein change: p.Asn217=; no amino-acid change (asparagine 217 retained).
Molecular consequence: synonymous variant.
Genome position (GRCh38, 1-based): chr4:158,690,392, C>T. VCF-style: chr4-158690392-C-T. GRCh37 (hg19) VCF-style: chr4-159611544-C-T.
Other names: c.510C>T, p.Asn170= (NM_001281737.2); c.468C>T, p.Asn156= (NM_001281738.1).
Identifiers: ClinVar variation 765771 (VCV000765771.13), dbSNP rs562079045, ClinGen allele CA3122423.